The following is an entry in ClinVar:

ClinVar aggregate classification (germline): Benign/Likely benign. Review status: criteria provided, multiple submitters, no conflicts (2 of 4 stars). 11 submissions from 11 submitters: Benign (4); Likely benign (6). 1 of the submissions does not count toward it. Last evaluated 2026-08-01.

Conditions:
Aminoglycoside-induced deafness. Also called: MT-RNR1-Related Hearing Loss and Deafness; DEAFNESS, STREPTOMYCIN-INDUCED; STREPTOMYCIN OTOTOXICITY. Identifiers: Orphanet 168609, MedGen C1838854, MONDO:0010799, OMIM 580000.
Acute infantile liver failure due to synthesis defect of mtDNA-encoded proteins. Also called: LIVER FAILURE, INFANTILE, TRANSIENT; Liver failure acute infantile; TRMU Deficiency. Identifiers: Orphanet 217371, MedGen C3278664, MONDO:0013111, OMIM 613070.

Allele frequency attached by ClinVar (database versions not stated): 1000 Genomes Project 0.00240; 1000 Genomes Project 30x 0.00265; ExAC 0.00351; gnomAD exomes 0.00378 and 0.00677; ESP Exome Variant Server 0.00446; TOPMed 0.00460; gnomAD 0.00461 and 0.00478.
gnomAD v4.1: 10,569 of 1,613,662 alleles (0.65%); highest among the groups gnomAD compares: Non-Finnish European, 0.81%; 52 homozygotes.

Submissions (11):

CeGaT Center for Human Genetics Tuebingen
Classification: Likely benign. Last evaluated: 2026-08-01. Review status: criteria provided, single submitter. Criteria: CeGaT Center For Human Genetics Tuebingen Variant Classification Criteria Version 2. Collection method: clinical testing. Allele origin: germline. Affected: yes. Observed: 18 variant alleles.
Comment: TRMU: BP4, BP7, BS2

Labcorp Genetics (formerly Invitae), Labcorp
Classification: Benign. Last evaluated: 2026-01-31. Review status: criteria provided, single submitter. Criteria: Invitae Variant Classification Sherloc (09022015). Collection method: clinical testing. Allele origin: germline.

Mayo Clinic Laboratories, Mayo Clinic
Classification: Likely benign. Last evaluated: 2025-07-09. Review status: criteria provided, single submitter. Criteria: ACMG Guidelines, 2015. Collection method: clinical testing. Allele origin: germline. Observed: 7 variant alleles.
Comment: BA1, BS2, BP4, BP7

Blueprint Genetics
Classification: Likely benign. Last evaluated: 2024-11-28. Review status: criteria provided, single submitter. Criteria: ACMG Guidelines, 2015. Collection method: clinical testing. Allele origin: germline.

ARUP Laboratories, Molecular Genetics and Genomics, ARUP Laboratories
Classification: Benign. Last evaluated: 2023-11-11. Review status: criteria provided, single submitter. Criteria: ARUP Molecular Germline Variant Investigation Process 2024. Collection method: clinical testing. Allele origin: germline.

Fulgent Genetics
Classification: Likely benign for Aminoglycoside-induced deafness; Acute infantile liver failure due to synthesis defect of mtDNA-encoded proteins. Last evaluated: 2022-02-07. Review status: criteria provided, single submitter. Criteria: ACMG Guidelines, 2015. Collection method: clinical testing. Allele origin: unknown.

Illumina Laboratory Services, Illumina
Classification: Likely benign for Acute infantile liver failure due to synthesis defect of mtDNA-encoded proteins. Last evaluated: 2018-01-13. Review status: criteria provided, single submitter. Criteria: ICSL Variant Classification Criteria 13 December 2019. Collection method: clinical testing. Allele origin: germline.
Comment: This variant was observed in the ICSL laboratory as part of a predisposition screen in an ostensibly healthy population. It had not been previously curated by ICSL or reported in the Human Gene Mutation Database (HGMD: prior to June 1st, 2018), and was therefore a candidate for classification through an automated scoring system. Utilizing variant allele frequency, disease prevalence and penetrance estimates, and inheritance mode, an automated score was calculated to assess if this variant is too frequent to cause the disease. Based on the score and internal cut-off values, a variant classified as likely benign is not then subjected to further curation. The score for this variant resulted in a classification of likely benign for this disease.

Eurofins Ntd Llc (ga)
Classification: Benign. Last evaluated: 2014-11-10. Review status: criteria provided, single submitter. Criteria: EGL Classification Definitions 2015. Collection method: clinical testing. Allele origin: germline. Observed: 1 variant allele, 1 heterozygote.

GeneDx
Classification: Benign. Last evaluated: 2014-02-14. Review status: criteria provided, single submitter. Criteria: GeneDx Variant Classification (06012015). Collection method: clinical testing. Allele origin: germline. Affected: yes.
Comment: This variant is considered likely benign or benign based on one or more of the following criteria: it is a conservative change, it occurs at a poorly conserved position in the protein, it is predicted to be benign by multiple in silico algorithms, and/or has population frequency not consistent with disease.

Breakthrough Genomics
Classification: Likely benign. Review status: criteria provided, single submitter. Criteria: ACMG Guidelines, 2015. Collection method: not provided. Allele origin: germline. Inheritance: Autosomal dominant inheritance. Affected: yes.

Natera, Inc.
Classification: Benign for Transient infantile liver failure. Last evaluated: 2020-09-16. Review status: no assertion criteria provided. Collection method: clinical testing. Allele origin: germline. Not counted in ClinVar's aggregate classification.

NM_018006.5(TRMU):c.387A>G (p.Ala129=)

Gene: TRMU (tRNA mitochondrial 2-thiouridylase; plus strand). Cytogenetic location: 22q13.31.
Variant type: single nucleotide variant.
Coding change: c.387A>G on transcript NM_018006.5 (MANE Select); coding-DNA position 387, A replaced by G.
Protein change: p.Ala129=; no amino-acid change (alanine 129 retained).
Molecular consequence: synonymous variant. On other transcripts: missense variant (2), non-coding transcript variant (2).
Genome position (GRCh38, 1-based): chr22:46,346,453, A>G. VCF-style: chr22-46346453-A-G. GRCh37 (hg19) VCF-style: chr22-46742350-A-G.
Other names: p.A129A:GCA>GCG; p.Ala129=; c.45A>G, p.Ala15= (NM_001282782.2); c.26A>G, p.Gln9Arg (NM_001282783.2, NM_001282784.2); c.387A>G, p.Ala129= (NM_001282785.2); short protein forms Q9R.
Identifiers: ClinVar variation 137708 (VCV000137708.54), dbSNP rs144586525, ClinGen allele CA302990.